The following is an entry in ClinVar:

NM_000051.4(ATM):c.3138T>G (p.Leu1046=)

Gene: ATM (ATM serine/threonine kinase; plus strand). Cytogenetic location: 11q22.3.
Variant type: single nucleotide variant.
Coding change: c.3138T>G on transcript NM_000051.4 (MANE Select); coding-DNA position 3138, T replaced by G.
Protein change: p.Leu1046=; no amino-acid change (leucine 1046 retained).
Molecular consequence: synonymous variant.
Genome position (GRCh38, 1-based): chr11:108,272,592, T>G. VCF-style: chr11-108272592-T-G. GRCh37 (hg19) VCF-style: chr11-108143319-T-G.
Other names: c.3138T>G, p.Leu1046= (NM_001351834.2).
Identifiers: ClinVar variation 382189 (VCV000382189.20), dbSNP rs3092858, ClinGen allele CA16606047.
Genomic context (GRCh38, chr11:108,272,592, plus strand): 5'-GCATCTAACAAAGGAGAGGAAATATATATTCTCTGTAAGAATGGCCCTAGTAAATTGCCT[T>G]AAAACTTTGCTTGAGGTGAGTTTTTGCATTTTTTTAGTAAGATCTCCATTGAAAATTTTA-3'
Protein context (NP_000042.3, residues 1036-1056): FSVRMALVNC[Leu1046=]KTLLEADPYS

ClinVar aggregate classification (germline): Benign/Likely benign. Review status: criteria provided, multiple submitters, no conflicts (2 of 4 stars). 6 submissions from 6 submitters: Benign (1); Likely benign (5). Last evaluated 2026-09-10.

Conditions:
ATM-related disorder. Also called: ATM-related disorders; ATM-related condition.
Hereditary cancer-predisposing syndrome. Also called: Neoplastic Syndromes, Hereditary; Tumor predisposition; Hereditary Cancer Syndrome; Hereditary neoplastic syndrome. Identifiers: Orphanet 140162, MedGen C0027672, MeSH D009386, MONDO:0015356.
Familial cancer of breast. Also called: hereditary breast carcinoma; BREAST CANCER, FAMILIAL; Hereditary breast cancer. Identifiers: Orphanet 227535, MedGen C0346153, MONDO:0016419, OMIM 114480. Disease mechanism: loss of function.
Ataxia-telangiectasia syndrome (AT). Also called: LOUIS-BAR SYNDROME; Cerebello-oculocutaneous telangiectasia; Immunodeficiency with ataxia telangiectasia; Ataxia-telangiectasia, complementation group E; Ataxia-telangiectasia, complementation group D; AT, COMPLEMENTATION GROUP C. Identifiers: Orphanet 100, MedGen C0004135, MONDO:0008840, OMIM 208900.

Allele frequency attached by ClinVar (database versions not stated): gnomAD 0.00001.
gnomAD v4.1: 6 of 1,613,692 alleles (0.00037%); highest among the groups gnomAD compares: Non-Finnish European, 0.00051%; no homozygotes.

Submissions (6):

PreventionGenetics, part of Exact Sciences
Classification: Likely benign for ATM-related condition. Last evaluated: 2026-09-10. Review status: criteria provided, single submitter. Criteria: ACMG Guidelines, 2015. Collection method: clinical testing. Allele origin: germline.
Comment: This variant is classified as likely benign based on ACMG/AMP sequence variant interpretation guidelines (Richards et al. 2015 PMID: 25741868, with internal and published modifications).

Labcorp Genetics (formerly Invitae), Labcorp
Classification: Likely benign for Ataxia-telangiectasia syndrome. Last evaluated: 2025-10-30. Review status: criteria provided, single submitter. Criteria: Invitae Variant Classification Sherloc (09022015). Collection method: clinical testing. Allele origin: germline.

Myriad Genetics, Inc.
Classification: Benign for Familial cancer of breast. Last evaluated: 2024-05-13. Review status: criteria provided, single submitter. Criteria: Myriad Autosomal Dominant, Autosomal Recessive and X-Linked Classification Criteria (2023). Collection method: clinical testing. Allele origin: unknown.
Comment: This variant is considered benign. This variant is a silent/synonymous amino acid change and it is not expected to impact splicing.

Color Diagnostics, LLC DBA Color Health
Classification: Likely benign for Hereditary cancer-predisposing syndrome. Last evaluated: 2018-09-24. Review status: criteria provided, single submitter. Criteria: ACMG Guidelines, 2015. Collection method: clinical testing. Allele origin: germline.

GeneDx
Classification: Likely benign. Last evaluated: 2017-06-21. Review status: criteria provided, single submitter. Criteria: GeneDx Variant Classification (06012015). Collection method: clinical testing. Allele origin: germline. Affected: yes.
Comment: This variant is considered likely benign or benign based on one or more of the following criteria: it is a conservative change, it occurs at a poorly conserved position in the protein, it is predicted to be benign by multiple in silico algorithms, and/or has population frequency not consistent with disease.

Ambry Genetics
Classification: Likely benign for Hereditary cancer-predisposing syndrome. Last evaluated: 2016-08-30. Review status: criteria provided, single submitter. Criteria: Ambry Variant Classification Scheme 2023. Collection method: clinical testing. Allele origin: germline.